The following is an entry in ClinVar:

ClinVar aggregate classification (germline): Conflicting classifications of pathogenicity. Review status: criteria provided, conflicting classifications (1 of 4 stars). 5 submissions from 5 submitters: Uncertain significance (4); Likely benign (1). Last evaluated 2024-10-24.

Conditions:
Inborn genetic diseases. Identifiers: MedGen C0950123, MeSH D030342.
Hereditary spherocytosis type 5. Also called: EPB42-Related Spherocytosis; EPB42-Related Hereditary Spherocytosis. Identifiers: Orphanet 822, MedGen C2675192, MONDO:0012985, OMIM 612690.

Allele frequency attached by ClinVar (database versions not stated): gnomAD 0.00008 and 0.00009; TOPMed 0.00008; gnomAD exomes 0.00012; ExAC 0.00015; 1000 Genomes Project 0.00040; 1000 Genomes Project 30x 0.00047.
gnomAD v4.1: 155 of 1,614,144 alleles (0.0096%); highest among the groups gnomAD compares: South Asian, 0.052%; 1 homozygote.

Submissions (5):

Revvity Omics, Revvity
Classification: Uncertain significance for Hereditary spherocytosis type 5. Last evaluated: 2024-10-24. Review status: criteria provided, single submitter. Criteria: ACMG Guidelines, 2015. Collection method: clinical testing. Allele origin: germline.

Mayo Clinic Laboratories, Mayo Clinic
Classification: Uncertain significance. Last evaluated: 2024-06-11. Review status: criteria provided, single submitter. Criteria: ACMG Guidelines, 2015. Collection method: clinical testing. Allele origin: germline. Observed: 1 variant allele.

Ambry Genetics
Classification: Likely benign for Inborn genetic diseases. Last evaluated: 2022-01-10. Review status: criteria provided, single submitter. Criteria: Ambry Variant Classification Scheme 2023. Collection method: clinical testing. Allele origin: germline.

ARUP Laboratories, Molecular Genetics and Genomics, ARUP Laboratories
Classification: Uncertain significance for Hereditary spherocytosis type 5. Last evaluated: 2018-11-15. Review status: criteria provided, single submitter. Criteria: ARUP Molecular Germline Variant Investigation Process. Collection method: clinical testing. Allele origin: germline.
Comment: The EPB42 c.1214C>T; p.Thr405Met variant (rs115972761), to our knowledge, is not reported in the medical literature or gene specific databases. This variant is found in the general population with an overall allele frequency of 0.01% (31/282638 alleles, including one homozygote) in the Genome Aggregation Database. The threonine at codon 405 is weakly conserved and computational analyses (SIFT, PolyPhen-2) predict that this variant is tolerated. Due to limited information, the clinical significance of this variant is uncertain at this time.

Breakthrough Genomics
Classification: Uncertain significance. Review status: criteria provided, single submitter. Criteria: ACMG Guidelines, 2015. Collection method: not provided. Allele origin: germline. Inheritance: Unknown mechanism. Affected: yes.

NM_001114134.2(EPB42):c.1124C>T (p.Thr375Met)

Gene: EPB42 (erythrocyte membrane protein band 4.2; minus strand). Cytogenetic location: 15q15.2.
Variant type: single nucleotide variant.
Coding change: c.1124C>T on transcript NM_001114134.2 (MANE Select); coding-DNA position 1124, C replaced by T.
Protein change: p.Thr375Met; replaces threonine 375 with methionine.
Molecular consequence: missense variant.
Genome position (GRCh38, 1-based): chr15:43,207,393, G>A on the plus strand (C>T on the coding strand, the complement: EPB42 is on the minus strand). VCF-style: chr15-43207393-G-A. GRCh37 (hg19) VCF-style: chr15-43499591-G-A.
Other names: p.Thr405Met; c.1214C>T (NM_000119.2); c.1214C>T, p.Thr405Met (NM_000119.3); short protein forms T375M, T405M.
Identifiers: ClinVar variation 811192 (VCV000811192.14), dbSNP rs115972761, ClinGen allele CA7520390.